The following is an entry in ClinVar:

NM_004304.5(ALK):c.864G>T (p.Trp288Cys)

Gene: ALK (ALK receptor tyrosine kinase; minus strand). Cytogenetic location: 2p23.2.
Variant type: single nucleotide variant.
Coding change: c.864G>T on transcript NM_004304.5 (MANE Select); coding-DNA position 864, G replaced by T.
Protein change: p.Trp288Cys; replaces tryptophan 288 with cysteine.
Molecular consequence: missense variant.
Genome position (GRCh38, 1-based): chr2:29,694,938, C>A on the plus strand (G>T on the coding strand, the complement: ALK is on the minus strand). VCF-style: chr2-29694938-C-A. GRCh37 (hg19) VCF-style: chr2-29917804-C-A.
Other names: short protein forms W288C.
Identifiers: ClinVar variation 953433 (VCV000953433.9), dbSNP rs1678509747, ClinGen allele CA346586978.

ClinVar aggregate classification (germline): Uncertain significance (1 of 4 stars; one submission).

Conditions:
Neuroblastoma, susceptibility to, 3. Also called: ALK-Related Neuroblastic Tumor Susceptibility. Identifiers: Orphanet 635, MedGen C2751681, MONDO:0013083, OMIM 613014.

gnomAD v4.1: 3 of 1,614,144 alleles (0.00019%); highest among the groups gnomAD compares: Non-Finnish European, 0.00017%; no homozygotes.

Submission:

Labcorp Genetics (formerly Invitae), Labcorp
Classification: Uncertain significance for Neuroblastoma, susceptibility to, 3. Last evaluated: 2025-09-28. Review status: criteria provided, single submitter. Criteria: Invitae Variant Classification Sherloc (09022015). Collection method: clinical testing. Allele origin: germline.
Comment: This sequence change replaces tryptophan, which is neutral and slightly polar, with cysteine, which is neutral and slightly polar, at codon 288 of the ALK protein (p.Trp288Cys). This variant is not present in population databases (gnomAD no frequency). This variant has not been reported in the literature in individuals affected with ALK-related conditions. ClinVar contains an entry for this variant (Variation ID: 953433). An algorithm developed to predict the effect of missense changes on protein structure and function (PolyPhen-2) suggests that this variant is likely to be disruptive. In summary, the available evidence is currently insufficient to determine the role of this variant in disease. Therefore, it has been classified as a Variant of Uncertain Significance.